The following is an entry in ClinVar:

NM_000317.3(PTS):c.282T>A (p.Asp94Glu)

Gene: PTS (6-pyruvoyltetrahydropterin synthase; plus strand). Cytogenetic location: 11q23.1.
Variant type: single nucleotide variant.
Coding change: c.282T>A on transcript NM_000317.3 (MANE Select); coding-DNA position 282, T replaced by A.
Protein change: p.Asp94Glu; replaces aspartic acid 94 with glutamic acid.
Molecular consequence: missense variant.
Genome position (GRCh38, 1-based): chr11:112,233,201, T>A. VCF-style: chr11-112233201-T-A. GRCh37 (hg19) VCF-style: chr11-112103924-T-A.
Other names: short protein forms D94E.
Identifiers: ClinVar variation 3907654 (VCV003907654.1).

ClinVar aggregate classification (germline): Uncertain significance (1 of 4 stars; one submission).

Submission:

Women's Health and Genetics/Laboratory Corporation of America, LabCorp
Classification: Uncertain significance. Last evaluated: 2025-06-19. Review status: criteria provided, single submitter. Criteria: LabCorp Variant Classification Summary - May 2015. Collection method: clinical testing. Allele origin: germline.
Comment: Variant summary: PTS c.282T>A (p.Asp94Glu) results in a conservative amino acid change in the encoded protein sequence. Algorithms developed to predict the effect of missense changes on protein structure and function are either unavailable or do not agree on the potential impact of this missense change. The variant was absent in 251410 control chromosomes. The available data on variant occurrences in the general population are insufficient to allow any conclusion about variant significance. To our knowledge, no occurrence of c.282T>A in individuals affected with 6-Pyruvoyl-Tetrahydropterin Synthase Deficiency and no experimental evidence demonstrating its impact on protein function have been reported. No submitters have cited clinical-significance assessments for this variant to ClinVar. Based on the evidence outlined above, the variant was classified as uncertain significance.